The following is an entry in ClinVar:

NM_144969.3(ZDHHC15):c.754G>A (p.Val252Met)

Gene: ZDHHC15 (zinc finger DHHC-type palmitoyltransferase 15; minus strand). Cytogenetic location: Xq13.3.
Variant type: single nucleotide variant.
Coding change: c.754G>A on transcript NM_144969.3 (MANE Select); coding-DNA position 754, G replaced by A.
Protein change: p.Val252Met; replaces valine 252 with methionine.
Molecular consequence: missense variant.
Genome position (GRCh38, 1-based): chrX:75,421,973, C>T on the plus strand (G>A on the coding strand, the complement: ZDHHC15 is on the minus strand). VCF-style: chrX-75421973-C-T. GRCh37 (hg19) VCF-style: chrX-74641808-C-T.
Other names: c.727G>A, p.Val243Met (NM_001146256.2); short protein forms V243M, V252M.
Identifiers: ClinVar variation 3338573 (VCV003338573.1).

ClinVar aggregate classification (germline): Uncertain significance (1 of 4 stars; one submission).

gnomAD v4.1: 1 of 1,209,157 alleles (0.000083%); highest among the groups gnomAD compares: Non-Finnish European, 0.00011%; no homozygotes.

Submission:

Greenwood Genetic Center Diagnostic Laboratories, Greenwood Genetic Center
Classification: Uncertain significance. Last evaluated: 2024-06-21. Review status: criteria provided, single submitter. Criteria: ACMG Guidelines, 2015. Collection method: clinical testing. Allele origin: germline. Affected: yes.
Comment: Gene of Uncertain Significance